The following is an entry in ClinVar:

NM_006019.4(TCIRG1):c.980_990delinsAGGA (p.Arg327fs)

Gene: TCIRG1 (T cell immune regulator 1, ATPase H+ transporting V0 subunit a3; plus strand). Cytogenetic location: 11q13.2.
Variant type: Indel.
Coding change: c.980_990delinsAGGA on transcript NM_006019.4 (MANE Select); coding-DNA positions 980 to 990, GAGACCTGCCC replaced by AGGA.
Protein change: p.Arg327fs; shifts the reading frame from arginine 327.
Molecular consequence: frameshift variant. On other transcripts: intron variant (4).
Genome position (GRCh38, 1-based): chr11:68,044,304-68,044,314, GAGACCTGCCC replaced by AGGA. VCF-style: chr11-68044304-GAGACCTGCCC-AGGA. GRCh37 (hg19) VCF-style: chr11-67811771-GAGACCTGCCC-AGGA.
Other names: c.86_96delinsAGGA, p.Arg29fs (NM_001351059.2); c.980_990delinsAGGA, p.Arg327fs (NM_001440552.1, NM_001440553.1, NM_001440554.1 and 2 more transcripts); c.938_948delinsAGGA, p.Arg313fs (NM_001440555.1, NM_001440556.1, NM_001440563.1); c.767_777delinsAGGA, p.Arg256fs (NM_001440561.1, NM_001440562.1, NM_001440566.1 and 1 more transcripts); c.725_735delinsAGGA, p.Arg242fs (NM_001440564.1); c.680_690delinsAGGA, p.Arg227fs (NM_001440565.1); c.332_342delinsAGGA, p.Arg111fs (NM_006053.4); c.807+397_807+407delinsAGGA (NM_001440559.1, NM_001440560.1); and 2 more; short protein forms R111fs, R227fs, R242fs, R256fs, R29fs, R313fs, R327fs.
Identifiers: ClinVar variation 5014486 (VCV005014486.1).

ClinVar aggregate classification (germline): Pathogenic (1 of 4 stars; one submission).

Conditions:
Autosomal recessive osteopetrosis 1. Also called: ALBERS-SCHONBERG DISEASE, AUTOSOMAL RECESSIVE; TCIRG1-Related Autosomal Recessive Osteopetrosis; TCIRG1-Related Osteopetrosis. Identifiers: Orphanet 667, MedGen C1850127, MONDO:0009815, OMIM 259700.

Submission:

Myriad Genetics, Inc.
Classification: Pathogenic for Autosomal recessive osteopetrosis 1. Last evaluated: 2025-05-20. Review status: criteria provided, single submitter. Criteria: Myriad Autosomal Dominant, Autosomal Recessive and X-Linked Classification Criteria (2023). Collection method: clinical testing. Allele origin: unknown.
Comment: NM_006019.3(TCIRG1):c.980_990del11ins4(R327Qfs*17) is expected to be pathogenic in the context of autosomal recessive osteopetrosis type 1. This variant is predicted to lead to an abnormal or absent protein product due to the creation of a premature termination codon in TCIRG1, a gene where loss-of-function variants are known to be pathogenic. Please note: this variant was assessed in the context of healthy population screening.